The following is an entry in ClinVar:

ClinVar aggregate classification (germline): Uncertain significance. Review status: criteria provided, multiple submitters, no conflicts (2 of 4 stars). 2 submissions from 2 submitters: Uncertain significance (2). Last evaluated 2024-11-05.

Conditions:
Cardiovascular phenotype. Identifiers: MedGen CN230736.
Hereditary cancer-predisposing syndrome. Also called: Tumor predisposition; Hereditary Cancer Syndrome; Hereditary neoplastic syndrome; Neoplastic Syndromes, Hereditary. Identifiers: Orphanet 140162, MedGen C0027672, MeSH D009386, MONDO:0015356.
Neurofibromatosis, type 1 (NF1). Also called: VON RECKLINGHAUSEN DISEASE; NEUROFIBROMATOSIS, TYPE I, SOMATIC; Peripheral type neurofibromatosis; Neurofibromatosis, type I. Identifiers: Orphanet 636, MedGen C0027831, MONDO:0018975, OMIM 162200. Disease mechanism: loss of function.

Submissions (2):

Ambry Genetics
Classification: Uncertain significance for Cardiovascular phenotype; Hereditary cancer-predisposing syndrome. Last evaluated: 2024-11-05. Review status: criteria provided, single submitter. Criteria: Ambry Variant Classification Scheme 2023. Collection method: clinical testing. Allele origin: germline.
Comment: The p.A1294V variant (also known as c.3881C>T), located in coding exon 29 of the NF1 gene, results from a C to T substitution at nucleotide position 3881. The alanine at codon 1294 is replaced by valine, an amino acid with similar properties. This amino acid position is conserved. In addition, the in silico prediction for this alteration is inconclusive. Based on the available evidence, the clinical significance of this variant remains unclear.

Labcorp Genetics (formerly Invitae), Labcorp
Classification: Uncertain significance for Neurofibromatosis, type 1. Last evaluated: 2020-01-15. Review status: criteria provided, single submitter. Criteria: Invitae Variant Classification Sherloc (09022015). Collection method: clinical testing. Allele origin: germline.
Comment: This variant is not present in population databases (ExAC no frequency). In summary, the available evidence is currently insufficient to determine the role of this variant in disease. Therefore, it has been classified as a Variant of Uncertain Significance. Algorithms developed to predict the effect of missense changes on protein structure and function are either unavailable or do not agree on the potential impact of this missense change (SIFT: "Tolerated"; PolyPhen-2: "Probably Damaging"; Align-GVGD: "Class C0"). This variant has not been reported in the literature in individuals with NF1-related conditions. ClinVar contains an entry for this variant (Variation ID: 237557). This sequence change replaces alanine with valine at codon 1294 of the NF1 protein (p.Ala1294Val). The alanine residue is moderately conserved and there is a small physicochemical difference between alanine and valine.

NM_001042492.3(NF1):c.3881C>T (p.Ala1294Val)

Gene: NF1 (neurofibromin 1; plus strand). Cytogenetic location: 17q11.2.
Variant type: single nucleotide variant.
Coding change: c.3881C>T on transcript NM_001042492.3 (MANE Select); coding-DNA position 3881, C replaced by T.
Protein change: p.Ala1294Val; replaces alanine 1294 with valine.
Molecular consequence: missense variant.
Genome position (GRCh38, 1-based): chr17:31,235,928, C>T. VCF-style: chr17-31235928-C-T. GRCh37 (hg19) VCF-style: chr17-29562946-C-T.
Other names: c.3881C>T, p.Ala1294Val (NM_000267.4); short protein forms A1294V.
Identifiers: ClinVar variation 237557 (VCV000237557.6), dbSNP rs878853889, ClinGen allele CA10583498.